The following is an entry in ClinVar:

ClinVar aggregate classification (germline): Conflicting classifications of pathogenicity. Review status: criteria provided, conflicting classifications (1 of 4 stars). 2 submissions from 2 submitters: Uncertain significance (1); Likely benign (1). Last evaluated 2025-04-25.

Conditions:
Erythrocytosis, familial, 3 (ECYT3). Identifiers: Orphanet 247511, MedGen C1853286, MONDO:0012353, OMIM 609820.

Submissions (2):

Ambry Genetics
Classification: Likely benign. Last evaluated: 2025-04-25. Review status: criteria provided, single submitter. Criteria: Ambry Variant Classification Scheme 2023. Collection method: clinical testing. Allele origin: germline.

Labcorp Genetics (formerly Invitae), Labcorp
Classification: Uncertain significance for Erythrocytosis, familial, 3. Last evaluated: 2023-10-20. Review status: criteria provided, single submitter. Criteria: Invitae Variant Classification Sherloc (09022015). Collection method: clinical testing. Allele origin: germline.
Comment: This sequence change replaces proline, which is neutral and non-polar, with alanine, which is neutral and non-polar, at codon 86 of the EGLN1 protein (p.Pro86Ala). This variant is not present in population databases (gnomAD no frequency). This variant has not been reported in the literature in individuals affected with EGLN1-related conditions. ClinVar contains an entry for this variant (Variation ID: 1361243). Algorithms developed to predict the effect of missense changes on protein structure and function output the following: SIFT: "Not Available"; PolyPhen-2: "Possibly Damaging"; Align-GVGD: "Not Available". The alanine amino acid residue is found in multiple mammalian species, which suggests that this missense change does not adversely affect protein function. In summary, the available evidence is currently insufficient to determine the role of this variant in disease. Therefore, it has been classified as a Variant of Uncertain Significance.

NM_022051.3(EGLN1):c.256C>G (p.Pro86Ala)

Gene: EGLN1 (egl-9 family hypoxia inducible factor 1; minus strand). Cytogenetic location: 1q42.2.
Variant type: single nucleotide variant.
Coding change: c.256C>G on transcript NM_022051.3 (MANE Select); coding-DNA position 256, C replaced by G.
Protein change: p.Pro86Ala; replaces proline 86 with alanine.
Molecular consequence: missense variant.
Genome position (GRCh38, 1-based): chr1:231,421,633, G>C on the plus strand (C>G on the coding strand, the complement: EGLN1 is on the minus strand). VCF-style: chr1-231421633-G-C. GRCh37 (hg19) VCF-style: chr1-231557379-G-C.
Other names: c.256C>G (NM_022051.2); c.256C>G, p.Pro86Ala (NM_001377260.1, NM_001377261.1); short protein forms P86A.
Identifiers: ClinVar variation 1361243 (VCV001361243.7), dbSNP rs1487874168, ClinGen allele CA345238244.
Genomic context (GRCh38, chr1:231,421,633, plus strand): 5'-CCCCGGAGGCGTTGTCCCGGCGCGCCGCTGCCTTCCTGGGCTCCCGGGCCCCGGCCCTGG[G>C]CGGCGGCACTGCAGCCGGCGGCGCGGGGCCGGAATGCTGGTGTGGGCCCACTCCGTGGCC-3'
Protein context (NP_071334.1, residues 76-96): GPAPPAAVPP[Pro86Ala]RAGAREPRKA